The following is an entry in ClinVar:

NM_004984.4(KIF5A):c.3019A>G (p.Arg1007Gly)

Gene: KIF5A (kinesin family member 5A; plus strand). Cytogenetic location: 12q13.3.
Variant type: single nucleotide variant.
Coding change: c.3019A>G on transcript NM_004984.4 (MANE Select); coding-DNA position 3019, A replaced by G.
Protein change: p.Arg1007Gly; replaces arginine 1007 with glycine.
Molecular consequence: missense variant.
Genome position (GRCh38, 1-based): chr12:57,582,628, A>G. VCF-style: chr12-57582628-A-G. GRCh37 (hg19) VCF-style: chr12-57976411-A-G.
Other names: 3019A-G; c.2752A>G, p.Arg918Gly (NM_001354705.2); short protein forms R1007G, R918G.
Identifiers: ClinVar variation 504479 (VCV000504479.33), dbSNP rs1555179087, ClinGen allele CA385517105.

ClinVar aggregate classification (germline): Pathogenic/Likely pathogenic. Review status: criteria provided, multiple submitters, no conflicts (2 of 4 stars). 3 submissions from 3 submitters: Pathogenic (1); Likely pathogenic (1). 1 of the submissions does not count toward it. Last evaluated 2025-01-14.

Conditions:
Amyotrophic lateral sclerosis, susceptibility to, 25. Identifiers: MedGen C4693609, MONDO:0060670, OMIM 617921.
Spastic paraplegia. Identifiers: MedGen C0037772, HP:0001258.

Submissions (3):

Labcorp Genetics (formerly Invitae), Labcorp
Classification: Pathogenic for Spastic paraplegia. Last evaluated: 2025-01-14. Review status: criteria provided, single submitter. Criteria: Invitae Variant Classification Sherloc (09022015). Collection method: clinical testing. Allele origin: germline.
Comment: This sequence change replaces arginine, which is basic and polar, with glycine, which is neutral and non-polar, at codon 1007 of the KIF5A protein (p.Arg1007Gly). RNA analysis indicates that this missense change induces altered splicing and may result in an absent or altered protein product. This variant is not present in population databases (gnomAD no frequency). This missense change has been observed in individuals with KIF5A-related conditions (PMID: 29342275; internal data). ClinVar contains an entry for this variant (Variation ID: 504479). An algorithm developed to predict the effect of missense changes on protein structure and function (PolyPhen-2) suggests that this variant is likely to be disruptive. Studies have shown that this missense change results in skipping of exon 27, and produces a non-functional protein and/or introduces a premature termination codon (PMID: 29342275). For these reasons, this variant has been classified as Pathogenic.

CeGaT Center for Human Genetics Tuebingen
Classification: Likely pathogenic. Last evaluated: 2023-05-01. Review status: criteria provided, single submitter. Criteria: CeGaT Center For Human Genetics Tuebingen Variant Classification Criteria Version 2. Collection method: clinical testing. Allele origin: germline. Affected: yes. Observed: 1 variant allele.
Comment: KIF5A: PM2, PM5, PS4:Moderate, PP1, PS3:Supporting

OMIM
Classification: risk factor for AMYOTROPHIC LATERAL SCLEROSIS, SUSCEPTIBILITY TO, 25. Last evaluated: 2022-11-23. Review status: no assertion criteria provided. Collection method: literature only. Allele origin: germline. Not counted in ClinVar's aggregate classification.

Literature cited by the submitters: PubMed 29342275 (cited by Labcorp Genetics (formerly Invitae), Labcorp and OMIM).